The following is an entry in ClinVar:

ClinVar aggregate classification (germline): Uncertain significance (1 of 4 stars; one submission).

Conditions:
Combined immunodeficiency due to DOCK8 deficiency (HIES2). Also called: Hyper-IgE recurrent infection syndrome, autosomal recessive; HIES autosomal recessive; DOCK8 Deficiency; HYPER-IgE RECURRENT INFECTION SYNDROME 2, AUTOSOMAL RECESSIVE; HYPER-IgE SYNDROME 2, AUTOSOMAL RECESSIVE, WITH RECURRENT INFECTIONS. Identifiers: Orphanet 217390, MedGen C4722305, MONDO:0009478, OMIM 243700.

Submission:

Labcorp Genetics (formerly Invitae), Labcorp
Classification: Uncertain significance for Combined immunodeficiency due to DOCK8 deficiency. Last evaluated: 2022-05-19. Review status: criteria provided, single submitter. Criteria: Invitae Variant Classification Sherloc (09022015). Collection method: clinical testing. Allele origin: germline.
Comment: This sequence change falls in intron 31 of the DOCK8 gene. It does not directly change the encoded amino acid sequence of the DOCK8 protein. This variant is not present in population databases (gnomAD no frequency). In summary, the available evidence is currently insufficient to determine the role of this variant in disease. Therefore, it has been classified as a Variant of Uncertain Significance. Algorithms developed to predict the effect of sequence changes on RNA splicing suggest that this variant may disrupt the consensus splice site. This variant has not been reported in the literature in individuals affected with DOCK8-related conditions.

NM_203447.4(DOCK8):c.4024-8T>G

Gene: DOCK8 (dedicator of cytokinesis 8; plus strand). Cytogenetic location: 9p24.3.
Variant type: single nucleotide variant.
Coding change: c.4024-8T>G on transcript NM_203447.4 (MANE Select); 8 bases into the intron before coding-DNA position 4024, T replaced by G.
Molecular consequence: intron variant.
Genome position (GRCh38, 1-based): chr9:420,941, T>G. VCF-style: chr9-420941-T-G. GRCh37 (hg19) VCF-style: chr9-420941-T-G.
Other names: c.3820-8T>G (NM_001193536.2); c.3724-8T>G (NM_001190458.2).
Identifiers: ClinVar variation 1996425 (VCV001996425.4), dbSNP rs2538794535, ClinGen allele CA2579287283.